The following is an entry in ClinVar:

ClinVar aggregate classification (germline): Uncertain significance (1 of 4 stars; one submission).

Conditions:
Inborn genetic diseases. Identifiers: MedGen C0950123, MeSH D030342.

Allele frequency attached by ClinVar (database versions not stated): TOPMed below 0.00001; ExAC 0.00004.
gnomAD v4.1: 23 of 1,607,936 alleles (0.0014%); highest among the groups gnomAD compares: East Asian, 0.036%; no homozygotes.

Submission:

Ambry Genetics
Classification: Uncertain significance for Inborn genetic diseases. Last evaluated: 2023-07-29. Review status: criteria provided, single submitter. Criteria: Ambry Variant Classification Scheme 2023. Collection method: clinical testing. Allele origin: germline.
Comment: The p.V2396I variant (also known as c.7186G>A), located in coding exon 49 of the LRRK2 gene, results from a G to A substitution at nucleotide position 7186. The valine at codon 2396 is replaced by isoleucine, an amino acid with highly similar properties. This amino acid position is conserved. In addition, this alteration is predicted to be tolerated by in silico analysis. Since supporting evidence is limited at this time, the clinical significance of this alteration remains unclear.

NM_198578.4(LRRK2):c.7186G>A (p.Val2396Ile)

Gene: LRRK2 (leucine rich repeat kinase 2; plus strand). Cytogenetic location: 12q12.
Variant type: single nucleotide variant.
Coding change: c.7186G>A on transcript NM_198578.4 (MANE Select); coding-DNA position 7186, G replaced by A.
Protein change: p.Val2396Ile; replaces valine 2396 with isoleucine.
Molecular consequence: missense variant.
Genome position (GRCh38, 1-based): chr12:40,364,846, G>A. VCF-style: chr12-40364846-G-A. GRCh37 (hg19) VCF-style: chr12-40758648-G-A.
Other names: short protein forms V2396I.
Identifiers: ClinVar variation 1757563 (VCV001757563.3), dbSNP rs201139905, ClinGen allele CA6514880.
Genomic context (GRCh38, chr12:40,364,846, plus strand): 5'-TAGCATTTATCTCTTAATTGGTGGTAAAATTATTAATGTATACTTTATGGTTCTAGGGAG[G>A]TAATGGTAAAAGAAAACAAGGAATCAAAACACAAAATGTCTTATTCTGGGAGAGTGAAAA-3'
Protein context (NP_940980.4, residues 2386-2406): LIDCVHFLRE[Val2396Ile]MVKENKESKH